The following is an entry in ClinVar:

ClinVar aggregate classification (germline): Uncertain significance (1 of 4 stars; one submission).

Conditions:
Long QT syndrome (LQTS). Identifiers: MedGen C0023976, MeSH D008133, MONDO:0002442. Disease mechanism: loss of function. Inheritance: Various modes of inheritance.

gnomAD v4.1: 1 of 1,594,342 alleles (0.000063%); highest among the groups gnomAD compares: Non-Finnish European, 0.000086%; no homozygotes.

Submission:

Labcorp Genetics (formerly Invitae), Labcorp
Classification: Uncertain significance for Long QT syndrome. Last evaluated: 2022-02-21. Review status: criteria provided, single submitter. Criteria: Invitae Variant Classification Sherloc (09022015). Collection method: clinical testing. Allele origin: germline.
Comment: In summary, the available evidence is currently insufficient to determine the role of this variant in disease. Therefore, it has been classified as a Variant of Uncertain Significance. Variants that disrupt the consensus splice site are a relatively common cause of aberrant splicing (PMID: 17576681, 9536098). Algorithms developed to predict the effect of sequence changes on RNA splicing suggest that this variant may disrupt the consensus splice site. This variant has not been reported in the literature in individuals affected with CACNA1C-related conditions. This variant is not present in population databases (gnomAD no frequency). This sequence change falls in intron 9 of the CACNA1C gene. It does not directly change the encoded amino acid sequence of the CACNA1C protein. It affects a nucleotide within the consensus splice site.

Literature cited by the submitters: PubMed 17576681; PubMed 9536098.

NM_000719.7(CACNA1C):c.1391-3C>G

Gene: CACNA1C (calcium voltage-gated channel subunit alpha1 C; plus strand). Cytogenetic location: 12p13.33.
Variant type: single nucleotide variant.
Coding change: c.1391-3C>G on transcript NM_000719.7 (MANE Select); 3 bases into the intron before coding-DNA position 1391, C replaced by G.
Molecular consequence: intron variant.
Genome position (GRCh38, 1-based): chr12:2,549,940, C>G. VCF-style: chr12-2549940-C-G. GRCh37 (hg19) VCF-style: chr12-2659106-C-G.
Other names: c.1391-3C>G (NM_001167624.3, NM_001167623.2, NM_001167625.2 and 18 more transcripts); c.1382-3C>G (NM_001129844.2).
Identifiers: ClinVar variation 2100905 (VCV002100905.4), dbSNP rs2511241822, ClinGen allele CA2580085107.